The following is an entry in ClinVar:

ClinVar aggregate classification (germline): Benign (1 of 4 stars; one submission).

Allele frequency attached by ClinVar (database versions not stated): gnomAD 0.34359 and 0.34883; TOPMed 0.35670; 1000 Genomes Project 0.38818; 1000 Genomes Project 30x 0.39241.
gnomAD v4.1: 52,278 of 152,082 alleles (34%); highest among the groups gnomAD compares: African/African-American, 55%; 10,322 homozygotes.

Submission:

GeneDx
Classification: Benign. Last evaluated: 2018-06-14. Review status: criteria provided, single submitter. Criteria: GeneDx Variant Classification (06012015). Collection method: clinical testing. Allele origin: germline. Affected: yes.
Comment: This variant is considered likely benign or benign based on one or more of the following criteria: it is a conservative change, it occurs at a poorly conserved position in the protein, it is predicted to be benign by multiple in silico algorithms, and/or has population frequency not consistent with disease.

NM_000138.5(FBN1):c.4942+305A>G

Gene: FBN1 (fibrillin 1; minus strand). Cytogenetic location: 15q21.1.
Variant type: single nucleotide variant.
Coding change: c.4942+305A>G on transcript NM_000138.5 (MANE Select); 305 bases into the intron after coding-DNA position 4942, A replaced by G.
Molecular consequence: intron variant.
Genome position (GRCh38, 1-based): chr15:48,465,263, T>C on the plus strand (A>G on the coding strand, the complement: FBN1 is on the minus strand). VCF-style: chr15-48465263-T-C. GRCh37 (hg19) VCF-style: chr15-48757460-T-C.
Identifiers: ClinVar variation 680684 (VCV000680684.1), dbSNP rs7171359, ClinGen allele CA15849951.